The following is an entry in ClinVar:

NM_001035.3(RYR2):c.1663C>T (p.Leu555Phe)

Gene: RYR2 (ryanodine receptor 2; plus strand). Cytogenetic location: 1q43.
Variant type: single nucleotide variant.
Coding change: c.1663C>T on transcript NM_001035.3 (MANE Select); coding-DNA position 1663, C replaced by T.
Protein change: p.Leu555Phe; replaces leucine 555 with phenylalanine.
Molecular consequence: missense variant.
Genome position (GRCh38, 1-based): chr1:237,469,142, C>T. VCF-style: chr1-237469142-C-T. GRCh37 (hg19) VCF-style: chr1-237632442-C-T.
Other names: short protein forms L555F.
Identifiers: ClinVar variation 4863704 (VCV004863704.1).

ClinVar aggregate classification (germline): Uncertain significance (1 of 4 stars; one submission).

Conditions:
Cardiovascular phenotype. Identifiers: MedGen CN230736.

Submission:

Ambry Genetics
Classification: Uncertain significance for Cardiovascular phenotype. Last evaluated: 2026-03-29. Review status: criteria provided, single submitter. Criteria: Ambry Variant Classification Scheme 2023. Collection method: clinical testing. Allele origin: germline.
Comment: The p.L555F variant (also known as c.1663C>T), located in coding exon 17 of the RYR2 gene, results from a C to T substitution at nucleotide position 1663. The leucine at codon 555 is replaced by phenylalanine, an amino acid with highly similar properties. This amino acid position is conserved. In addition, the in silico prediction for this alteration is inconclusive. Based on the available evidence, the clinical significance of this variant remains unclear.